The following is an entry in ClinVar:

ClinVar aggregate classification (germline): Uncertain significance. Review status: criteria provided, multiple submitters, no conflicts (2 of 4 stars). 2 submissions from 2 submitters: Uncertain significance (2). Last evaluated 2024-06-20.

Conditions:
Developmental and epileptic encephalopathy, 9 (DEE9). Also called: JUBERG-HELLMAN SYNDROME; PCDH19-Related X-Linked Female-Limited Epilepsy with Mental Retardation; Early infantile epileptic encephalopathy 9; EPILEPSY, FEMALE-RESTRICTED, WITH MENTAL RETARDATION. Identifiers: Orphanet 101039, Orphanet 2076, MedGen C1848137, MONDO:0010246, OMIM 300088. Disease mechanism: loss of function.

Allele frequency attached by ClinVar (database versions not stated): gnomAD exomes below 0.00001.
gnomAD v4.1: 1 of 1,212,282 alleles (0.000082%); highest among the groups gnomAD compares: Non-Finnish European, 0.00011%; no homozygotes.

Submissions (2):

Women's Health and Genetics/Laboratory Corporation of America, LabCorp
Classification: Uncertain significance. Last evaluated: 2024-06-20. Review status: criteria provided, single submitter. Criteria: LabCorp Variant Classification Summary - May 2015. Collection method: clinical testing. Allele origin: germline.
Comment: Variant summary: PCDH19 c.811G>A (p.Gly271Ser) results in a non-conservative amino acid change in the encoded protein sequence. Four of five in-silico tools predict a damaging effect of the variant on protein function. The variant was absent in 181800 control chromosomes. The available data on variant occurrences in the general population are insufficient to allow any conclusion about variant significance. To our knowledge, no occurrence of c.811G>A in individuals affected with Developmental And Epileptic Encephalopathy, 9 and no experimental evidence demonstrating its impact on protein function have been reported. ClinVar contains an entry for this variant (Variation ID: 1015597). Based on the evidence outlined above, the variant was classified as uncertain significance.

Labcorp Genetics (formerly Invitae), Labcorp
Classification: Uncertain significance for Developmental and epileptic encephalopathy, 9. Last evaluated: 2020-06-01. Review status: criteria provided, single submitter. Criteria: Invitae Variant Classification Sherloc (09022015). Collection method: clinical testing. Allele origin: germline.
Comment: In summary, the available evidence is currently insufficient to determine the role of this variant in disease. Therefore, it has been classified as a Variant of Uncertain Significance. Algorithms developed to predict the effect of missense changes on protein structure and function (SIFT, PolyPhen-2, Align-GVGD) all suggest that this variant is likely to be disruptive, but these predictions have not been confirmed by published functional studies and their clinical significance is uncertain. This variant has not been reported in the literature in individuals with PCDH19-related conditions. This variant is not present in population databases (ExAC no frequency). This sequence change replaces glycine with serine at codon 271 of the PCDH19 protein (p.Gly271Ser). The glycine residue is highly conserved and there is a small physicochemical difference between glycine and serine.

NM_001184880.2(PCDH19):c.811G>A (p.Gly271Ser)

Gene: PCDH19 (protocadherin 19; minus strand). Cytogenetic location: Xq22.1.
Variant type: single nucleotide variant.
Coding change: c.811G>A on transcript NM_001184880.2 (MANE Select); coding-DNA position 811, G replaced by A.
Protein change: p.Gly271Ser; replaces glycine 271 with serine.
Molecular consequence: missense variant.
Genome position (GRCh38, 1-based): chrX:100,407,787, C>T on the plus strand (G>A on the coding strand, the complement: PCDH19 is on the minus strand). VCF-style: chrX-100407787-C-T. GRCh37 (hg19) VCF-style: chrX-99662785-C-T.
Other names: c.811G>A, p.Gly271Ser (NM_001105243.2, NM_020766.3); short protein forms G271S.
Identifiers: ClinVar variation 1015597 (VCV001015597.10), dbSNP rs1928427097, ClinGen allele CA414007989.